The following is an entry in ClinVar:

NM_181882.3(PRX):c.3403G>A (p.Val1135Ile)

Gene: PRX (periaxin; minus strand). Cytogenetic location: 19q13.2.
Variant type: single nucleotide variant.
Coding change: c.3403G>A on transcript NM_181882.3 (MANE Select); coding-DNA position 3403, G replaced by A.
Protein change: p.Val1135Ile; replaces valine 1135 with isoleucine.
Molecular consequence: missense variant. On other transcripts: 3 prime UTR variant (1).
Genome position (GRCh38, 1-based): chr19:40,394,949, C>T on the plus strand (G>A on the coding strand, the complement: PRX is on the minus strand). VCF-style: chr19-40394949-C-T. GRCh37 (hg19) VCF-style: chr19-40900856-C-T.
Other names: c.3688G>A, p.Val1230Ile (NM_001411127.1); c.*3608G>A (NM_020956.2); short protein forms V1135I, V1230I.
Identifiers: ClinVar variation 1731098 (VCV001731098.3), dbSNP rs776944425, ClinGen allele CA9443864.

ClinVar aggregate classification (germline): Uncertain significance. Review status: criteria provided, multiple submitters, no conflicts (2 of 4 stars). 2 submissions from 2 submitters: Uncertain significance (2). Last evaluated 2025-02-04.

Conditions:
Inborn genetic diseases. Identifiers: MedGen C0950123, MeSH D030342.
Charcot-Marie-Tooth disease type 4. Also called: Charcot-Marie-Tooth, Type 4; Charcot-Marie-Tooth disease, type IV. Identifiers: Orphanet 64749, MedGen C4082197, MONDO:0018995.

Allele frequency attached by ClinVar (database versions not stated): ExAC 0.00001; gnomAD exomes 0.00001; TOPMed 0.00001.
gnomAD v4.1: 18 of 1,609,138 alleles (0.0011%); highest among the groups gnomAD compares: Non-Finnish European, 0.0015%; no homozygotes.

Submissions (2):

Labcorp Genetics (formerly Invitae), Labcorp
Classification: Uncertain significance for Charcot-Marie-Tooth disease type 4. Last evaluated: 2025-02-04. Review status: criteria provided, single submitter. Criteria: Invitae Variant Classification Sherloc (09022015). Collection method: clinical testing. Allele origin: germline.
Comment: This sequence change replaces valine, which is neutral and non-polar, with isoleucine, which is neutral and non-polar, at codon 1135 of the PRX protein (p.Val1135Ile). The frequency data for this variant in the population databases is considered unreliable, as metrics indicate poor data quality at this position in the gnomAD database. This variant has not been reported in the literature in individuals affected with PRX-related conditions. ClinVar contains an entry for this variant (Variation ID: 1731098). Invitae Evidence Modeling of protein sequence and biophysical properties (such as structural, functional, and spatial information, amino acid conservation, physicochemical variation, residue mobility, and thermodynamic stability) indicates that this missense variant is not expected to disrupt PRX protein function with a negative predictive value of 80%. In summary, the available evidence is currently insufficient to determine the role of this variant in disease. Therefore, it has been classified as a Variant of Uncertain Significance.

Ambry Genetics
Classification: Uncertain significance for Inborn genetic diseases. Last evaluated: 2020-08-14. Review status: criteria provided, single submitter. Criteria: Ambry Variant Classification Scheme 2023. Collection method: clinical testing. Allele origin: germline.
Comment: The p.V1135I variant (also known as c.3403G>A), located in coding exon 4 of the PRX gene, results from a G to A substitution at nucleotide position 3403. The valine at codon 1135 is replaced by isoleucine, an amino acid with highly similar properties. This amino acid position is poorly conserved in available vertebrate species. In addition, this alteration is predicted to be tolerated by in silico analysis. Since supporting evidence is conflicting at this time, the clinical significance of this alteration remains unclear.